The following is an entry in ClinVar:

NM_001005271.3(CHD3):c.121G>A (p.Glu41Lys)

Genes: CHD3 (chromodomain helicase DNA binding protein 3; plus strand), NAA38 (N-alpha-acetyltransferase 38, NatC auxiliary subunit; minus strand). Cytogenetic location: 17p13.1.
Variant type: single nucleotide variant.
Coding change: c.121G>A on transcript NM_001005271.3; coding-DNA position 121, G replaced by A.
Protein change: p.Glu41Lys; replaces glutamic acid 41 with lysine.
Molecular consequence: missense variant. On other transcripts: intron variant (1).
Genome position (GRCh38, 1-based): chr17:7,884,927, G>A. VCF-style: chr17-7884927-G-A. GRCh37 (hg19) VCF-style: chr17-7788245-G-A.
Other names: c.121G>A, p.Glu41Lys (NM_001437504.1, NM_001437507.1, NM_001437508.1 and 1 more transcripts); c.-167+238C>T (NM_001330111.2); short protein forms E41K.
Identifiers: ClinVar variation 3343731 (VCV003343731.1).
Genomic context (GRCh38, chr17:7,884,927, plus strand): 5'-GAAGAAGAGGAGGAAGAAGAGGGCGACGAGGAGGAGGAGGAGGAGGTGGAGGCGGCCGAC[G>A]AGGACGATGAGGAGGACGACGACGAGGGAGTACTCGGGCGCGGGCCGGGCCACGACCGGG-3'

ClinVar aggregate classification (germline): Uncertain significance (1 of 4 stars; one submission).

gnomAD v4.1: 2 of 1,410,622 alleles (0.00014%); highest among the groups gnomAD compares: Non-Finnish European, 0.00019%; no homozygotes.

Submission:

GeneDx
Classification: Uncertain significance. Last evaluated: 2023-05-23. Review status: criteria provided, single submitter. Criteria: GeneDx Variant Classification Process June 2021. Collection method: clinical testing. Allele origin: germline. Affected: yes.
Comment: Not observed at significant frequency in large population cohorts (gnomAD); In silico analysis supports that this missense variant does not alter protein structure/function; Has not been previously published as pathogenic or benign to our knowledge